The following is an entry in ClinVar:

NM_001354604.2(MITF):c.1097G>A (p.Arg366Gln)

Gene: MITF (melanocyte inducing transcription factor; plus strand). Cytogenetic location: 3p13.
Variant type: single nucleotide variant.
Coding change: c.1097G>A on transcript NM_001354604.2 (MANE Select); coding-DNA position 1097, G replaced by A.
Protein change: p.Arg366Gln; replaces arginine 366 with glutamine.
Molecular consequence: missense variant.
Genome position (GRCh38, 1-based): chr3:69,959,338, G>A. VCF-style: chr3-69959338-G-A. GRCh37 (hg19) VCF-style: chr3-70008489-G-A.
Other names: c.776G>A, p.Arg259Gln (NM_000248.4); c.923G>A, p.Arg308Gln (NM_001184967.2, NM_001354608.2); c.1094G>A, p.Arg365Gln (NM_001354605.2); c.1076G>A, p.Arg359Gln (NM_001354606.2, NM_006722.3); c.1028G>A, p.Arg343Gln (NM_001354607.2); c.758G>A, p.Arg253Gln (NM_198158.3); c.1079G>A, p.Arg360Gln (NM_198159.3); c.1031G>A, p.Arg344Gln (NM_198177.3); and 1 more; short protein forms R259Q, R197Q, R344Q, R360Q, R366Q, R343Q, R365Q, R253Q.
Identifiers: ClinVar variation 2288639 (VCV002288639.6), dbSNP rs762920442, ClinGen allele CA2490568.

ClinVar aggregate classification (germline): Uncertain significance. Review status: criteria provided, multiple submitters, no conflicts (2 of 4 stars). 2 submissions from 2 submitters: Uncertain significance (2). Last evaluated 2025-12-14.

Conditions:
Hereditary cancer-predisposing syndrome. Also called: Neoplastic Syndromes, Hereditary; Tumor predisposition; Hereditary Cancer Syndrome; Hereditary neoplastic syndrome. Identifiers: Orphanet 140162, MedGen C0027672, MeSH D009386, MONDO:0015356.
Waardenburg syndrome type 2A (WS2A). Also called: WAARDENBURG SYNDROME WITHOUT DYSTOPIA CANTHORUM. Identifiers: Orphanet 3440, MedGen C1860339, MONDO:0008671, OMIM 193510.
Tietz syndrome (TADS). Also called: TIETZ ALBINISM-DEAFNESS SYNDROME; HYPOPIGMENTATION/DEAFNESS OF TIETZ; ALBINISM-DEAFNESS OF TIETZ. Identifiers: Orphanet 42665, MedGen C0391816, MONDO:0007077, OMIM 103500.
Melanoma, cutaneous malignant, susceptibility to, 8. Also called: Cutaneous malignant melanoma 8; MELANOMA AND RENAL CELL CARCINOMA, SUSCEPTIBILITY TO. Identifiers: Orphanet 293822, MedGen C3152204, MONDO:0013759, OMIM 614456.

Allele frequency attached by ClinVar (database versions not stated): ExAC 0.00001; gnomAD 0.00001; TOPMed 0.00001.
gnomAD v4.1: 6 of 1,613,870 alleles (0.00037%); highest among the groups gnomAD compares: East Asian, 0.0022%; no homozygotes.

Submissions (2):

Labcorp Genetics (formerly Invitae), Labcorp
Classification: Uncertain significance for Melanoma, cutaneous malignant, susceptibility to, 8; Waardenburg syndrome type 2A; Tietz syndrome. Last evaluated: 2025-12-14. Review status: criteria provided, single submitter. Criteria: Invitae Variant Classification Sherloc (09022015). Collection method: clinical testing. Allele origin: germline.
Comment: This sequence change replaces arginine, which is basic and polar, with glutamine, which is neutral and polar, at codon 259 of the MITF protein (p.Arg259Gln). This variant is present in population databases (rs762920442, gnomAD 0.005%). This variant has not been reported in the literature in individuals affected with MITF-related conditions. ClinVar contains an entry for this variant (Variation ID: 2288639). Invitae Evidence Modeling of protein sequence and biophysical properties (such as structural, functional, and spatial information, amino acid conservation, physicochemical variation, residue mobility, and thermodynamic stability) indicates that this missense variant is not expected to disrupt MITF protein function with a negative predictive value of 80%. In summary, the available evidence is currently insufficient to determine the role of this variant in disease. Therefore, it has been classified as a Variant of Uncertain Significance.

Ambry Genetics
Classification: Uncertain significance for Hereditary cancer-predisposing syndrome. Last evaluated: 2025-04-14. Review status: criteria provided, single submitter. Criteria: Ambry Variant Classification Scheme 2023. Collection method: clinical testing. Allele origin: germline.
Comment: The p.R259Q variant (also known as c.776G>A), located in coding exon 8 of the MITF gene, results from a G to A substitution at nucleotide position 776. The arginine at codon 259 is replaced by glutamine, an amino acid with highly similar properties. This amino acid position is conserved. In addition, the in silico prediction for this alteration is inconclusive. Based on the available evidence, the clinical significance of this variant remains unclear.